The following is an entry in ClinVar:

ClinVar aggregate classification (germline): Uncertain significance. Review status: criteria provided, multiple submitters, no conflicts (2 of 4 stars). 2 submissions from 2 submitters: Uncertain significance (2). Last evaluated 2024-12-09.

Conditions:
Hereditary cancer-predisposing syndrome. Also called: Tumor predisposition; Hereditary neoplastic syndrome; Neoplastic Syndromes, Hereditary; Hereditary Cancer Syndrome. Identifiers: Orphanet 140162, MedGen C0027672, MeSH D009386, MONDO:0015356.
Neuroblastoma, susceptibility to, 3. Also called: ALK-Related Neuroblastic Tumor Susceptibility. Identifiers: Orphanet 635, MedGen C2751681, MONDO:0013083, OMIM 613014.

Submissions (2):

Ambry Genetics
Classification: Uncertain significance for Hereditary cancer-predisposing syndrome. Last evaluated: 2024-12-09. Review status: criteria provided, single submitter. Criteria: Ambry Variant Classification Scheme 2023. Collection method: clinical testing. Allele origin: germline.
Comment: The p.E1419D variant (also known as c.4257G>C), located in coding exon 29 of the ALK gene, results from a G to C substitution at nucleotide position 4257. The glutamic acid at codon 1419 is replaced by aspartic acid, an amino acid with highly similar properties. This amino acid position is not well conserved in available vertebrate species, and aspartic acid is the reference amino acid in other vertebrate species. In addition, this alteration is predicted to be tolerated by in silico analysis. Based on the available evidence, the clinical significance of this variant remains unclear.

Labcorp Genetics (formerly Invitae), Labcorp
Classification: Uncertain significance for Neuroblastoma, susceptibility to, 3. Last evaluated: 2021-10-13. Review status: criteria provided, single submitter. Criteria: Invitae Variant Classification Sherloc (09022015). Collection method: clinical testing. Allele origin: germline.
Comment: This variant has not been reported in the literature in individuals affected with ALK-related conditions. In summary, the available evidence is currently insufficient to determine the role of this variant in disease. Therefore, it has been classified as a Variant of Uncertain Significance. Algorithms developed to predict the effect of missense changes on protein structure and function output the following: SIFT: "Tolerated"; PolyPhen-2: "Benign"; Align-GVGD: "Class C0". The aspartic acid amino acid residue is found in multiple mammalian species, which suggests that this missense change does not adversely affect protein function. This variant is not present in population databases (ExAC no frequency). This sequence change replaces glutamic acid with aspartic acid at codon 1419 of the ALK protein (p.Glu1419Asp). The glutamic acid residue is highly conserved and there is a small physicochemical difference between glutamic acid and aspartic acid.

NM_004304.5(ALK):c.4257G>C (p.Glu1419Asp)

Gene: ALK (ALK receptor tyrosine kinase; minus strand). Cytogenetic location: 2p23.2.
Variant type: single nucleotide variant.
Coding change: c.4257G>C on transcript NM_004304.5 (MANE Select); coding-DNA position 4257, G replaced by C.
Protein change: p.Glu1419Asp; replaces glutamic acid 1419 with aspartic acid.
Molecular consequence: missense variant.
Genome position (GRCh38, 1-based): chr2:29,193,830, C>G on the plus strand (G>C on the coding strand, the complement: ALK is on the minus strand). VCF-style: chr2-29193830-C-G. GRCh37 (hg19) VCF-style: chr2-29416696-C-G.
Other names: c.1053G>C, p.Glu351Asp (NM_001353765.2); short protein forms E1419D, E351D.
Identifiers: ClinVar variation 1386564 (VCV001386564.9), dbSNP rs888028409, ClinGen allele CA346462998.